The following is an entry in ClinVar:

ClinVar aggregate classification (germline): Uncertain significance (1 of 4 stars; one submission).

Conditions:
Familial focal epilepsy with variable foci (FPEVF). Identifiers: Orphanet 98820, MedGen C1858477, MONDO:0020310.

Submission:

Labcorp Genetics (formerly Invitae), Labcorp
Classification: Uncertain significance for Familial focal epilepsy with variable foci. Last evaluated: 2022-04-24. Review status: criteria provided, single submitter. Criteria: Invitae Variant Classification Sherloc (09022015). Collection method: clinical testing. Allele origin: germline.
Comment: In summary, the available evidence is currently insufficient to determine the role of this variant in disease. Therefore, it has been classified as a Variant of Uncertain Significance. Algorithms developed to predict the effect of missense changes on protein structure and function are either unavailable or do not agree on the potential impact of this missense change (SIFT: "Deleterious"; PolyPhen-2: "Not Available"; Align-GVGD: "Class C55"). ClinVar contains an entry for this variant (Variation ID: 407340). This missense change has been observed in individual(s) with clinical features of DEPDC5-related conditions (PMID: 30093711). This variant is not present in population databases (gnomAD no frequency). This sequence change replaces methionine, which is neutral and non-polar, with lysine, which is basic and polar, at codon 181 of the DEPDC5 protein (p.Met181Lys).

Literature cited by the submitters: PubMed 30093711.

NM_001242896.3(DEPDC5):c.542T>A (p.Met181Lys)

Gene: DEPDC5 (DEP domain containing 5, GATOR1 subcomplex subunit; plus strand). Cytogenetic location: 22q12.2.
Variant type: single nucleotide variant.
Coding change: c.542T>A on transcript NM_001242896.3 (MANE Select); coding-DNA position 542, T replaced by A.
Protein change: p.Met181Lys; replaces methionine 181 with lysine.
Molecular consequence: missense variant. On other transcripts: non-coding transcript variant (5).
Genome position (GRCh38, 1-based): chr22:31,783,965, T>A. VCF-style: chr22-31783965-T-A. GRCh37 (hg19) VCF-style: chr22-32179951-T-A.
Other names: c.542T>A, p.Met181Lys (NM_001007188.4, NM_001136029.4, NM_001242897.2 and 7 more transcripts); c.458T>A, p.Met153Lys (NM_001369901.1, NM_001369902.1); short protein forms M181K, M153K.
Identifiers: ClinVar variation 407340 (VCV000407340.8), dbSNP rs1060501486, ClinGen allele CA16616380.